The following is an entry in ClinVar:

ClinVar aggregate classification (germline): Conflicting classifications of pathogenicity. Review status: criteria provided, conflicting classifications (1 of 4 stars). 7 submissions from 7 submitters: Uncertain significance (1); Likely benign (4). 2 of the submissions do not count toward it. Last evaluated 2026-08-01.

Conditions:
Inborn genetic diseases. Identifiers: MedGen C0950123, MeSH D030342.
Schaaf-Yang syndrome (SHFYNG). Also called: MAGEL2-related Prader-Willi-like syndrome; Arthrogryposis, distal, with hypopituitarism, intellectual disability, and facial anomalies. Identifiers: Orphanet 398069, MedGen C5575066, MONDO:0014243, OMIM 615547.

Allele frequency attached by ClinVar (database versions not stated): gnomAD 0.00041 and 0.00045; gnomAD exomes 0.00045 and 0.00050; ExAC 0.00073.

Submissions (7):

CeGaT Center for Human Genetics Tuebingen
Classification: Likely benign. Last evaluated: 2026-08-01. Review status: criteria provided, single submitter. Criteria: CeGaT Center For Human Genetics Tuebingen Variant Classification Criteria Version 2. Collection method: clinical testing. Allele origin: germline. Affected: yes. Observed: 1 variant allele.
Comment: MAGEL2: PP3, BS2

Labcorp Genetics (formerly Invitae), Labcorp
Classification: Likely benign. Last evaluated: 2026-01-26. Review status: criteria provided, single submitter. Criteria: Invitae Variant Classification Sherloc (09022015). Collection method: clinical testing. Allele origin: germline.

GeneDx
Classification: Likely benign. Last evaluated: 2023-06-13. Review status: criteria provided, single submitter. Criteria: GeneDx Variant Classification Process June 2021. Collection method: clinical testing. Allele origin: germline.
Comment: See Variant Classification Assertion Criteria.

Ambry Genetics
Classification: Likely benign for Inborn genetic diseases. Last evaluated: 2021-08-02. Review status: criteria provided, single submitter. Criteria: Ambry Variant Classification Scheme 2023. Collection method: clinical testing. Allele origin: germline.

Institute of Human Genetics, University of Leipzig Medical Center
Classification: Uncertain significance for Schaaf-Yang syndrome. Last evaluated: 2019-01-01. Review status: criteria provided, single submitter. Criteria: ACMG Guidelines, 2015. Collection method: clinical testing. Allele origin: unknown. Affected: yes.

Clinical Genetics DNA and cytogenetics Diagnostics Lab, Erasmus MC, Erasmus Medical Center
Classification: Likely benign. Review status: no assertion criteria provided. Collection method: clinical testing. Allele origin: germline. Affected: yes. Study: VKGL Data-share Consensus. Not counted in ClinVar's aggregate classification.

Clinical Genetics, Academic Medical Center
Classification: Likely benign. Review status: no assertion criteria provided. Collection method: clinical testing. Allele origin: germline. Affected: yes. Study: VKGL Data-share Consensus. Not counted in ClinVar's aggregate classification.

NM_019066.5(MAGEL2):c.494C>T (p.Pro165Leu)

Gene: MAGEL2 (MAGE family member L2; minus strand). Cytogenetic location: 15q11.2.
Variant type: single nucleotide variant.
Coding change: c.494C>T on transcript NM_019066.5 (MANE Select); coding-DNA position 494, C replaced by T.
Protein change: p.Pro165Leu; replaces proline 165 with leucine.
Molecular consequence: missense variant.
Genome position (GRCh38, 1-based): chr15:23,647,249, G>A on the plus strand (C>T on the coding strand, the complement: MAGEL2 is on the minus strand). VCF-style: chr15-23647249-G-A. GRCh37 (hg19) VCF-style: chr15-23892396-G-A.
Other names: short protein forms P165L.
Identifiers: ClinVar variation 983128 (VCV000983128.13), dbSNP rs572249702, ClinGen allele CA7430109.